The following is an entry in ClinVar:

ClinVar aggregate classification (germline): Uncertain significance (1 of 4 stars; one submission).

Conditions:
Compton-North congenital myopathy (CMYO12). Identifiers: Orphanet 210163, MedGen C2675527, MONDO:0012929, OMIM 612540.

Allele frequency attached by ClinVar (database versions not stated): TOPMed below 0.00001.

Submission:

Labcorp Genetics (formerly Invitae), Labcorp
Classification: Uncertain significance for Compton-North congenital myopathy. Last evaluated: 2022-04-16. Review status: criteria provided, single submitter. Criteria: Invitae Variant Classification Sherloc (09022015). Collection method: clinical testing. Allele origin: germline.
Comment: This variant is not present in population databases (gnomAD no frequency). This variant has not been reported in the literature in individuals affected with CNTN1-related conditions. This sequence change replaces valine, which is neutral and non-polar, with glycine, which is neutral and non-polar, at codon 837 of the CNTN1 protein (p.Val837Gly). Advanced modeling of protein sequence and biophysical properties (such as structural, functional, and spatial information, amino acid conservation, physicochemical variation, residue mobility, and thermodynamic stability) performed at Invitae indicates that this missense variant is not expected to disrupt CNTN1 protein function. In summary, the available evidence is currently insufficient to determine the role of this variant in disease. Therefore, it has been classified as a Variant of Uncertain Significance.

NM_001843.4(CNTN1):c.2510T>G (p.Val837Gly)

Gene: CNTN1 (contactin 1; plus strand). Cytogenetic location: 12q12.
Variant type: single nucleotide variant.
Coding change: c.2510T>G on transcript NM_001843.4 (MANE Select); coding-DNA position 2510, T replaced by G.
Protein change: p.Val837Gly; replaces valine 837 with glycine.
Molecular consequence: missense variant.
Genome position (GRCh38, 1-based): chr12:41,020,427, T>G. VCF-style: chr12-41020427-T-G. GRCh37 (hg19) VCF-style: chr12-41414229-T-G.
Other names: c.2477T>G, p.Val826Gly (NM_175038.2); short protein forms V826G, V837G.
Identifiers: ClinVar variation 1985619 (VCV001985619.4), dbSNP rs1948881225, ClinGen allele CA384587333.